The following is an entry in ClinVar:

NM_153603.4(COG7):c.2209G>A (p.Val737Met)

Gene: COG7 (component of oligomeric golgi complex 7; minus strand). Cytogenetic location: 16p12.2.
Variant type: single nucleotide variant.
Coding change: c.2209G>A on transcript NM_153603.4 (MANE Select); coding-DNA position 2209, G replaced by A.
Protein change: p.Val737Met; replaces valine 737 with methionine.
Molecular consequence: missense variant.
Genome position (GRCh38, 1-based): chr16:23,389,024, C>T on the plus strand (G>A on the coding strand, the complement: COG7 is on the minus strand). VCF-style: chr16-23389024-C-T. GRCh37 (hg19) VCF-style: chr16-23400345-C-T.
Other names: short protein forms V737M.
Identifiers: ClinVar variation 2417492 (VCV002417492.3), dbSNP rs777056912, ClinGen allele CA7960736.

ClinVar aggregate classification (germline): Uncertain significance (1 of 4 stars; one submission).

Conditions:
COG7 congenital disorder of glycosylation (CDG2E). Also called: CONGENITAL DISORDER OF GLYCOSYLATION, TYPE IIe; CDG IIe. Identifiers: Orphanet 79333, MedGen C2931010, MONDO:0012118, OMIM 608779.

Allele frequency attached by ClinVar (database versions not stated): ExAC 0.00001; gnomAD exomes 0.00001; TOPMed 0.00001.
gnomAD v4.1: 15 of 1,614,074 alleles (0.00093%); highest among the groups gnomAD compares: East Asian, 0.0045%; no homozygotes.

Submission:

Labcorp Genetics (formerly Invitae), Labcorp
Classification: Uncertain significance for COG7 congenital disorder of glycosylation. Last evaluated: 2021-12-02. Review status: criteria provided, single submitter. Criteria: Invitae Variant Classification Sherloc (09022015). Collection method: clinical testing. Allele origin: germline.
Comment: This sequence change replaces valine, which is neutral and non-polar, with methionine, which is neutral and non-polar, at codon 737 of the COG7 protein (p.Val737Met). This variant is present in population databases (rs777056912, gnomAD 0.005%). This variant has not been reported in the literature in individuals affected with COG7-related conditions. Algorithms developed to predict the effect of missense changes on protein structure and function (SIFT, PolyPhen-2, Align-GVGD) all suggest that this variant is likely to be tolerated. In summary, the available evidence is currently insufficient to determine the role of this variant in disease. Therefore, it has been classified as a Variant of Uncertain Significance.